The following is an entry in ClinVar:

NM_018713.3(SLC30A10):c.923A>C (p.Gln308Pro)

Gene: SLC30A10 (solute carrier family 30 member 10; minus strand). Cytogenetic location: 1q41.
Variant type: single nucleotide variant.
Coding change: c.923A>C on transcript NM_018713.3 (MANE Select); coding-DNA position 923, A replaced by C.
Protein change: p.Gln308Pro; replaces glutamine 308 with proline.
Molecular consequence: missense variant. On other transcripts: non-coding transcript variant (2).
Genome position (GRCh38, 1-based): chr1:219,918,290, T>G on the plus strand (A>C on the coding strand, the complement: SLC30A10 is on the minus strand). VCF-style: chr1-219918290-T-G. GRCh37 (hg19) VCF-style: chr1-220091632-T-G.
Other names: c.734A>C, p.Gln245Pro (NM_001376929.1); c.248A>C, p.Gln83Pro (NM_001416004.1, NM_001416005.1); short protein forms Q245P, Q308P, Q83P.
Identifiers: ClinVar variation 2134775 (VCV002134775.4), dbSNP rs2527859272, ClinGen allele CA344732574.

ClinVar aggregate classification (germline): Uncertain significance (1 of 4 stars; one submission).

Submission:

Labcorp Genetics (formerly Invitae), Labcorp
Classification: Uncertain significance. Last evaluated: 2022-05-06. Review status: criteria provided, single submitter. Criteria: Invitae Variant Classification Sherloc (09022015). Collection method: clinical testing. Allele origin: germline.
Comment: In summary, the available evidence is currently insufficient to determine the role of this variant in disease. Therefore, it has been classified as a Variant of Uncertain Significance. Algorithms developed to predict the effect of missense changes on protein structure and function are either unavailable or do not agree on the potential impact of this missense change (SIFT: "Deleterious"; PolyPhen-2: "Probably Damaging"; Align-GVGD: "Class C15"). This variant has not been reported in the literature in individuals affected with SLC30A10-related conditions. This variant is not present in population databases (gnomAD no frequency). This sequence change replaces glutamine, which is neutral and polar, with proline, which is neutral and non-polar, at codon 308 of the SLC30A10 protein (p.Gln308Pro).